The following is an entry in ClinVar:

ClinVar aggregate classification (germline): Benign/Likely benign. Review status: criteria provided, multiple submitters, no conflicts (2 of 4 stars). 3 submissions from 3 submitters: Benign (1); Likely benign (2). Last evaluated 2025-05-05.

Conditions:
FLG-related disorder. Also called: FLG-related disorders; FLG-related condition.

Allele frequency attached by ClinVar (database versions not stated): gnomAD exomes 0.00111 and 0.00316; ExAC 0.00395; gnomAD 0.01255 and 0.01311; TOPMed 0.01411; ESP Exome Variant Server 0.01430; 1000 Genomes Project 0.01877; 1000 Genomes Project 30x 0.02046.
gnomAD v4.1: 3,573 of 1,613,944 alleles (0.22%); highest among the groups gnomAD compares: African/African-American, 4.3%; 100 homozygotes.

Submissions (3):

PreventionGenetics, part of Exact Sciences
Classification: Benign for FLG-related condition. Last evaluated: 2025-05-05. Review status: criteria provided, single submitter. Criteria: ACMG Guidelines, 2015. Collection method: clinical testing. Allele origin: germline.
Comment: This variant is classified as benign based on ACMG/AMP sequence variant interpretation guidelines (Richards et al. 2015 PMID: 25741868, with internal and published modifications).

GeneDx
Classification: Likely benign. Last evaluated: 2018-07-09. Review status: criteria provided, single submitter. Criteria: GeneDx Variant Classification Process June 2021. Collection method: clinical testing. Allele origin: germline. Affected: yes.

Breakthrough Genomics
Classification: Likely benign. Review status: criteria provided, single submitter. Criteria: ACMG Guidelines, 2015. Collection method: not provided. Allele origin: germline. Inheritance: Autosomal dominant inheritance. Affected: yes.

NM_002016.2(FLG):c.1821A>G (p.Gln607=)

Genes: CCDST (cervical cancer associated DHX9 suppressive transcript; plus strand), FLG (filaggrin; minus strand). Cytogenetic location: 1q21.3.
Variant type: single nucleotide variant.
Coding change: c.1821A>G on transcript NM_002016.2 (MANE Select); coding-DNA position 1821, A replaced by G.
Protein change: p.Gln607=; no amino-acid change (glutamine 607 retained).
Molecular consequence: synonymous variant.
Genome position (GRCh38, 1-based): chr1:152,313,065, T>C on the plus strand (A>G on the coding strand, the complement: FLG is on the minus strand). VCF-style: chr1-152313065-T-C. GRCh37 (hg19) VCF-style: chr1-152285541-T-C.
Identifiers: ClinVar variation 1190825 (VCV001190825.4), dbSNP rs116417983, ClinGen allele CA1107455.